The following is an entry in ClinVar:

ClinVar aggregate classification (germline): Pathogenic (0 of 4 stars; one submission).
ClinVar aggregate classification (somatic clinical impact): Tier II - Potential (1 of 4 stars; one submission).

Conditions:
Schimke immuno-osseous dysplasia (SIOD). Also called: Schimke Immunoosseous Dysplasia. Identifiers: Orphanet 1830, MedGen C0877024, MONDO:0009458, OMIM 242900.
Pilocytic astrocytoma. Also called: Pilocytic astrocytoma, somatic. Identifiers: Orphanet 251612, MedGen C0334583, MONDO:0016691, HP:0033680.

Allele frequency attached by ClinVar (database versions not stated): gnomAD exomes below 0.00001.
gnomAD v4.1: 1 of 1,614,080 alleles (0.000062%); highest among the groups gnomAD compares: Non-Finnish European, 0.000085%; no homozygotes.

Submissions (2):

Institute for Genomic Medicine (IGM) Clinical Laboratory, Nationwide Children's Hospital
Classification: Tier II - Potential for Pilocytic astrocytoma. Assertion type: diagnostic. Clinical significance: supports diagnosis. Last evaluated: 2025-10-27. Review status: criteria provided, single submitter. Criteria: AMP/ASCO/CAP Guidelines, 2017. Collection method: clinical testing. Allele origin: somatic. Affected: yes.
Comment: Variant has Tier II (potential) clinical significance as a diagnostic inclusion criterion in pilocytic astrocytoma, based on the following evidence: 1) Assists in diagnosis alone or along with other biomarkers based on small studies or few case reports (Evidence Level D; PMIDs: 29802247, 34103668, 36689342, 37890990).

Molecular Biology Laboratory, Department of Zoology, Quaid-i-azam University
Classification: Pathogenic for Schimke immuno-osseous dysplasia. Review status: no assertion criteria provided. Collection method: research. Allele origin: inherited. Affected: yes.

Literature cited by the submitters: PubMed 29802247 (cited by Institute for Genomic Medicine (IGM) Clinical Laboratory, Nationwide Children's Hospital); PubMed 34103668 (cited by Institute for Genomic Medicine (IGM) Clinical Laboratory, Nationwide Children's Hospital); PubMed 36689342 (cited by Institute for Genomic Medicine (IGM) Clinical Laboratory, Nationwide Children's Hospital); PubMed 37890990 (cited by Institute for Genomic Medicine (IGM) Clinical Laboratory, Nationwide Children's Hospital).

NM_014140.4(SMARCAL1):c.1810C>T (p.Gln604Ter)

Gene: SMARCAL1 (SNF2 related chromatin remodeling annealing helicase 1; plus strand). Cytogenetic location: 2q35.
Variant type: single nucleotide variant.
Coding change: c.1810C>T on transcript NM_014140.4 (MANE Select); coding-DNA position 1810, C replaced by T.
Protein change: p.Gln604Ter; replaces glutamine 604 with a stop codon.
Molecular consequence: nonsense.
Genome position (GRCh38, 1-based): chr2:216,447,117, C>T. VCF-style: chr2-216447117-C-T. GRCh37 (hg19) VCF-style: chr2-217311840-C-T.
Other names: c.1810C>T, p.Gln604Ter (NM_001127207.2); short protein forms Q604*.
Identifiers: ClinVar variation 2445993 (VCV002445993.3), dbSNP rs2469012609, ClinGen allele CA350501793.